The following is an entry in ClinVar:

ClinVar aggregate classification (germline): Uncertain significance (1 of 4 stars; one submission).

gnomAD v4.1: 13 of 1,613,762 alleles (0.00081%); highest among the groups gnomAD compares: Admixed American, 0.0033%; no homozygotes.

Submission:

Labcorp Genetics (formerly Invitae), Labcorp
Classification: Uncertain significance. Last evaluated: 2022-09-27. Review status: criteria provided, single submitter. Criteria: Invitae Variant Classification Sherloc (09022015). Collection method: clinical testing. Allele origin: germline.
Comment: This sequence change replaces arginine, which is basic and polar, with glycine, which is neutral and non-polar, at codon 328 of the C2CD3 protein (p.Arg328Gly). This variant is present in population databases (rs769847567, gnomAD 0.007%). This variant has not been reported in the literature in individuals affected with C2CD3-related conditions. Advanced modeling of protein sequence and biophysical properties (such as structural, functional, and spatial information, amino acid conservation, physicochemical variation, residue mobility, and thermodynamic stability) performed at Invitae indicates that this missense variant is expected to disrupt C2CD3 protein function. In summary, the available evidence is currently insufficient to determine the role of this variant in disease. Therefore, it has been classified as a Variant of Uncertain Significance.

NM_001286577.2(C2CD3):c.982C>G (p.Arg328Gly)

Gene: C2CD3 (C2 domain containing 3 centriole elongation regulator; minus strand). Cytogenetic location: 11q13.4.
Variant type: single nucleotide variant.
Coding change: c.982C>G on transcript NM_001286577.2 (MANE Select); coding-DNA position 982, C replaced by G.
Protein change: p.Arg328Gly; replaces arginine 328 with glycine.
Molecular consequence: missense variant.
Genome position (GRCh38, 1-based): chr11:74,133,531, G>C on the plus strand (C>G on the coding strand, the complement: C2CD3 is on the minus strand). VCF-style: chr11-74133531-G-C. GRCh37 (hg19) VCF-style: chr11-73844576-G-C.
Other names: c.982C>G, p.Arg328Gly (NM_015531.6); short protein forms R328G.
Identifiers: ClinVar variation 1954206 (VCV001954206.2), dbSNP rs769847567, ClinGen allele CA6183084.
Genomic context (GRCh38, chr11:74,133,531, plus strand): 5'-GGTCCAACAACATGCTGGTCTCTGGGCTTGATTTCATTGCAGAAATCACCATGGCATTAC[G>C]CAGTTTATTGCCTTGTTCTAACAGAGCTGAAGAGGGTAAATGCAGAAAACAGAAAAATCC-3'
Protein context (NP_001273506.1, residues 318-338): SALLEQGNKL[Arg328Gly]NAMVISAMKS